The following is an entry in ClinVar:

ClinVar aggregate classification (germline): Uncertain significance (1 of 4 stars; one submission).

Submission:

Ambry Genetics
Classification: Uncertain significance. Last evaluated: 2025-06-21. Review status: criteria provided, single submitter. Criteria: Ambry Variant Classification Scheme 2023. Collection method: clinical testing. Allele origin: germline.
Comment: The p.S271P variant (also known as c.811T>C), located in coding exon 4 of the GALNT12 gene, results from a T to C substitution at nucleotide position 811. The serine at codon 271 is replaced by proline, an amino acid with similar properties. This amino acid position is conserved. In addition, this alteration is predicted to be tolerated by in silico analysis. Since supporting evidence is limited at this time, the clinical significance of this alteration remains unclear.

NM_024642.5(GALNT12):c.811T>C (p.Ser271Pro)

Gene: GALNT12 (polypeptide N-acetylgalactosaminyltransferase 12; plus strand). Cytogenetic location: 9q22.33.
Variant type: single nucleotide variant.
Coding change: c.811T>C on transcript NM_024642.5 (MANE Select); coding-DNA position 811, T replaced by C.
Protein change: p.Ser271Pro; replaces serine 271 with proline.
Molecular consequence: missense variant.
Genome position (GRCh38, 1-based): chr9:98,831,851, T>C. VCF-style: chr9-98831851-T-C. GRCh37 (hg19) VCF-style: chr9-101594133-T-C.
Other names: short protein forms S271P.
Identifiers: ClinVar variation 1762088 (VCV001762088.3), dbSNP rs2490517586, ClinGen allele CA374218061.
Genomic context (GRCh38, chr9:98,831,851, plus strand): 5'-GCAGTGGTGTGCCCGGTGATTGATGTGATCGACTGGAACACCTTCGAATACCTGGGGAAC[T>C]CCGGGGAGCCCCAGATCGGCGGTTTCGACTGGAGGCTGGTGTTCACGTGGCACACAGTTC-3'
Protein context (NP_078918.3, residues 261-281): DWNTFEYLGN[Ser271Pro]GEPQIGGFDW